The following is an entry in ClinVar:

ClinVar aggregate classification (germline): Likely benign. Review status: criteria provided, multiple submitters, no conflicts (2 of 4 stars). 3 submissions from 3 submitters: Likely benign (3). Last evaluated 2026-09-17.

Conditions:
PRDM12-related disorder. Also called: PRDM12-related condition.
Inborn genetic diseases. Identifiers: MedGen C0950123, MeSH D030342.
Congenital insensitivity to pain-hypohidrosis syndrome. Also called: Neuropathy, hereditary sensory and autonomic, type VIII; HSAN VIII. Identifiers: Orphanet 478664, MedGen C4225308, MONDO:0014662, OMIM 616488.

Allele frequency attached by ClinVar (database versions not stated): gnomAD 0.00001; TOPMed 0.00002; gnomAD exomes 0.00006; ExAC 0.00011.
gnomAD v4.1: 78 of 1,480,658 alleles (0.0053%); highest among the groups gnomAD compares: Non-Finnish European, 0.007%; no homozygotes.

Submissions (3):

PreventionGenetics, part of Exact Sciences
Classification: Likely benign for PRDM12-related condition. Last evaluated: 2026-09-17. Review status: criteria provided, single submitter. Criteria: ACMG Guidelines, 2015. Collection method: clinical testing. Allele origin: germline.
Comment: This variant is classified as likely benign based on ACMG/AMP sequence variant interpretation guidelines (Richards et al. 2015 PMID: 25741868, with internal and published modifications).

Labcorp Genetics (formerly Invitae), Labcorp
Classification: Likely benign for Congenital insensitivity to pain-hypohidrosis syndrome. Last evaluated: 2024-05-21. Review status: criteria provided, single submitter. Criteria: Invitae Variant Classification Sherloc (09022015). Collection method: clinical testing. Allele origin: germline.

Ambry Genetics
Classification: Likely benign for Inborn genetic diseases. Last evaluated: 2019-07-11. Review status: criteria provided, single submitter. Criteria: Ambry Variant Classification Scheme 2023. Collection method: clinical testing. Allele origin: germline.

NM_021619.3(PRDM12):c.711T>G (p.Ala237=)

Genes: PRDM12 (PR/SET domain 12; plus strand), LOC130002813 (ATAC-STARR-seq lymphoblastoid silent region 20403; plus strand). Cytogenetic location: 9q34.12.
Variant type: single nucleotide variant.
Coding change: c.711T>G on transcript NM_021619.3 (MANE Select); coding-DNA position 711, T replaced by G.
Protein change: p.Ala237=; no amino-acid change (alanine 237 retained).
Molecular consequence: synonymous variant.
Genome position (GRCh38, 1-based): chr9:130,681,276, T>G. VCF-style: chr9-130681276-T-G. GRCh37 (hg19) VCF-style: chr9-133556663-T-G.
Identifiers: ClinVar variation 475816 (VCV000475816.12), dbSNP rs754277042, ClinGen allele CA5284648.